The following is an entry in ClinVar:

NM_001040108.2(MLH3):c.1499C>T (p.Pro500Leu)

Gene: MLH3 (mutL homolog 3; minus strand). Cytogenetic location: 14q24.3.
Variant type: single nucleotide variant.
Coding change: c.1499C>T on transcript NM_001040108.2 (MANE Select); coding-DNA position 1499, C replaced by T.
Protein change: p.Pro500Leu; replaces proline 500 with leucine.
Molecular consequence: missense variant.
Genome position (GRCh38, 1-based): chr14:75,048,157, G>A on the plus strand (C>T on the coding strand, the complement: MLH3 is on the minus strand). VCF-style: chr14-75048157-G-A. GRCh37 (hg19) VCF-style: chr14-75514860-G-A.
Other names: c.1499C>T, p.Pro500Leu (NM_014381.3); short protein forms P500L.
Identifiers: ClinVar variation 1773937 (VCV001773937.7), dbSNP rs749032216, ClinGen allele CA7275860.

ClinVar aggregate classification (germline): Uncertain significance. Review status: criteria provided, multiple submitters, no conflicts (2 of 4 stars). 2 submissions from 2 submitters: Uncertain significance (2). Last evaluated 2025-06-07.

Conditions:
Colorectal cancer, hereditary nonpolyposis, type 7. Identifiers: Orphanet 144, MedGen C1858380, MONDO:0013725, OMIM 614385.

Allele frequency attached by ClinVar (database versions not stated): gnomAD 0.00001; TOPMed 0.00001; ExAC 0.00002.
gnomAD v4.1: 9 of 1,613,938 alleles (0.00056%); highest among the groups gnomAD compares: South Asian, 0.0033%; no homozygotes.

Submissions (2):

Ambry Genetics
Classification: Uncertain significance. Last evaluated: 2025-06-07. Review status: criteria provided, single submitter. Criteria: Ambry Variant Classification Scheme 2023. Collection method: clinical testing. Allele origin: germline.
Comment: The p.P500L variant (also known as c.1499C>T), located in coding exon 1 of the MLH3 gene, results from a C to T substitution at nucleotide position 1499. The proline at codon 500 is replaced by leucine, an amino acid with similar properties. This amino acid position is not well conserved in available vertebrate species. In addition, this alteration is predicted to be tolerated by in silico analysis. Since supporting evidence is limited at this time, the clinical significance of this alteration remains unclear.

Labcorp Genetics (formerly Invitae), Labcorp
Classification: Uncertain significance for Colorectal cancer, hereditary nonpolyposis, type 7. Last evaluated: 2023-12-13. Review status: criteria provided, single submitter. Criteria: Invitae Variant Classification Sherloc (09022015). Collection method: clinical testing. Allele origin: germline.
Comment: This sequence change replaces proline, which is neutral and non-polar, with leucine, which is neutral and non-polar, at codon 500 of the MLH3 protein (p.Pro500Leu). The frequency data for this variant in the population databases is considered unreliable, as metrics indicate poor data quality at this position in the gnomAD database. This variant has not been reported in the literature in individuals affected with MLH3-related conditions. ClinVar contains an entry for this variant (Variation ID: 1773937). Algorithms developed to predict the effect of missense changes on protein structure and function output the following: SIFT: "Not Available"; PolyPhen-2: "Benign"; Align-GVGD: "Not Available". The leucine amino acid residue is found in multiple mammalian species, which suggests that this missense change does not adversely affect protein function. In summary, the available evidence is currently insufficient to determine the role of this variant in disease. Therefore, it has been classified as a Variant of Uncertain Significance.